The following is an entry in ClinVar:

ClinVar aggregate classification (germline): Uncertain significance (1 of 4 stars; one submission).

Allele frequency attached by ClinVar (database versions not stated): ExAC 0.00002.

Submission:

Women's Health and Genetics/Laboratory Corporation of America, LabCorp
Classification: Uncertain significance. Last evaluated: 2016-07-01. Review status: criteria provided, single submitter. Criteria: LabCorp Variant Classification Summary - May 2015. Collection method: clinical testing. Allele origin: germline.
Comment: Variant summary: The c.4002-11_4002-9delTTA in MSH6 gene is an intronic variant that leads to deletion of 3 non-conserved nucleotides located at positions not widely known to affect splicing. 5/5 in silico tools predict enhancing the acceptor site, however these predictions are yet to be confirmed by functional studies. Variant was observed in the large and broad cohorts of the ExAC project at an allele frequency of 0.000019 (2/103466 chrs tested). The observed frequency does not exceed the maximal expected allele frequency of a disease causing allele (0.0001) indicating that is not a common polymorphism. The variant has not, to our knowledge been reported in the affected individuals via published reports or cited by a reputable database/diagnostic center. Taking together, the variant was classified as VUS until more information becomes available.

NM_000179.3(MSH6):c.4002-11_4002-9del

Gene: MSH6 (mutS homolog 6; plus strand). Cytogenetic location: 2p16.3.
Variant type: Deletion.
Coding change: c.4002-11_4002-9del on transcript NM_000179.3 (MANE Select); 11 bases into the intron before coding-DNA position 4002 through 9 bases into the intron before coding-DNA position 4002, 3 bases deleted (TTA; older notation c.4002-11_4002-9delTTA).
Molecular consequence: intron variant.
Genome position (GRCh38, 1-based): chr2:47,806,768-47,806,770, TTA deleted. VCF-style (leftmost placement, unchanged base first): chr2-47806767-TTTA-T. GRCh37 (hg19) VCF-style: chr2-48033906-TTTA-T.
Other names: c.3096-11_3096-9del (NM_001281493.2, NM_001281494.2); c.3612-11_3612-9del (NM_001281492.2); c.4002-11_4002-9delTTA (NM_000179.2).
Identifiers: ClinVar variation 495719 (VCV000495719.1), dbSNP rs754951578, ClinGen allele CA072620.